The following is an entry in ClinVar:

NM_002295.6(RPSA):c.556C>T (p.Arg186Cys)

Gene: RPSA (ribosomal protein SA; plus strand). Cytogenetic location: 3p22.1.
Variant type: single nucleotide variant.
Coding change: c.556C>T on transcript NM_002295.6 (MANE Select); coding-DNA position 556, C replaced by T.
Protein change: p.Arg186Cys; replaces arginine 186 with cysteine.
Molecular consequence: missense variant.
Genome position (GRCh38, 1-based): chr3:39,411,706, C>T. VCF-style: chr3-39411706-C-T. GRCh37 (hg19) VCF-style: chr3-39453197-C-T.
Other names: c.571C>T, p.Arg191Cys (NM_001304288.2); short protein forms R186C, R191C.
Identifiers: ClinVar variation 64675 (VCV000064675.5), dbSNP rs397514761, ClinGen allele CA144723.
Genomic context (GRCh38, chr3:39,411,706, plus strand): 5'-CAGGGAGCTCACTCAGTGGGTTTGATGTGGTGGATGCTGGCTCGGGAAGTTCTGCGCATG[C>T]GTGGCACCATTTCCCGTGAACACCCATGGGAGGTCATGCCTGATCTGTACTTCTACAGAG-3'
Protein context (NP_002286.2, residues 176-196): WMLAREVLRM[Arg186Cys]GTISREHPWE

ClinVar aggregate classification (germline): Likely pathogenic. Review status: criteria provided, single submitter (1 of 4 stars). 2 submissions from 2 submitters: Likely pathogenic (1). 1 of the submissions does not count toward it. Last evaluated 2023-03-03.

Conditions:
Familial isolated congenital asplenia. Also called: HYPOSPLENIA, ISOLATED CONGENITAL; Asplenia, isolated congenital; ASPLENIA, FAMILIAL. Identifiers: Orphanet 101351, MedGen C0685889, MONDO:0010066, OMIM 271400.

Allele frequency attached by ClinVar (database versions not stated): gnomAD exomes below 0.00001.
gnomAD v4.1: 2 of 1,601,876 alleles (0.00012%); highest among the groups gnomAD compares: Non-Finnish European, 0.00017%; no homozygotes.

Submissions (2):

GeneDx
Classification: Likely pathogenic. Last evaluated: 2023-03-03. Review status: criteria provided, single submitter. Criteria: GeneDx Variant Classification Process June 2021. Collection method: clinical testing. Allele origin: germline. Affected: yes.
Comment: Published functional studies demonstrate a damaging effect on protein expression (Bolze et al., 2013); Not observed at significant frequency in large population cohorts (gnomAD); In silico analysis supports that this missense variant has a deleterious effect on protein structure/function; This variant is associated with the following publications: (PMID: 22560297, 20846672, 23579497)

OMIM
Classification: Pathogenic for ASPLENIA, ISOLATED CONGENITAL. Last evaluated: 2013-05-24. Review status: no assertion criteria provided. Collection method: literature only. Allele origin: germline. Not counted in ClinVar's aggregate classification.

Literature cited by the submitters: PubMed 23579497 (cited by OMIM); PubMed 20846672 (cited by OMIM); PubMed 22560297 (cited by OMIM).